The following is an entry in ClinVar:

NM_000152.5(GAA):c.1873G>C (p.Ala625Pro)

Gene: GAA (alpha glucosidase; plus strand). Cytogenetic location: 17q25.3.
Variant type: single nucleotide variant.
Coding change: c.1873G>C on transcript NM_000152.5 (MANE Select); coding-DNA position 1873, G replaced by C.
Protein change: p.Ala625Pro; replaces alanine 625 with proline.
Molecular consequence: missense variant.
Genome position (GRCh38, 1-based): chr17:80,112,696, G>C. VCF-style: chr17-80112696-G-C. GRCh37 (hg19) VCF-style: chr17-78086495-G-C.
Other names: c.1873G>C, p.Ala625Pro (NM_001079803.3, NM_001079804.3, NM_001406741.1 and 1 more transcripts); short protein forms A625P.
Identifiers: ClinVar variation 4769986 (VCV004769986.1).

ClinVar aggregate classification (germline): Uncertain significance (1 of 4 stars; one submission).

Conditions:
Glycogen storage disease, type II (IOPD). Also called: CARDIOMEGALIA GLYCOGENICA DIFFUSA; GLYCOGENOSIS, GENERALIZED, CARDIAC FORM; GSD II; Glycogen storage disease type 2; Acid maltase deficiency disease; Aglucosidase alfa. Identifiers: Orphanet 365, MedGen C0017921, MONDO:0009290, OMIM 232300.

Submission:

Labcorp Genetics (formerly Invitae), Labcorp
Classification: Uncertain significance for Glycogen storage disease, type II. Last evaluated: 2025-05-07. Review status: criteria provided, single submitter. Criteria: Invitae Variant Classification Sherloc (09022015). Collection method: clinical testing. Allele origin: germline.
Comment: This sequence change replaces alanine, which is neutral and non-polar, with proline, which is neutral and non-polar, at codon 625 of the GAA protein (p.Ala625Pro). This variant is not present in population databases (gnomAD no frequency). This variant has not been reported in the literature in individuals affected with GAA-related conditions. Invitae Evidence Modeling of protein sequence and biophysical properties (such as structural, functional, and spatial information, amino acid conservation, physicochemical variation, residue mobility, and thermodynamic stability) indicates that this missense variant is not expected to disrupt GAA protein function with a negative predictive value of 95%. In summary, the available evidence is currently insufficient to determine the role of this variant in disease. Therefore, it has been classified as a Variant of Uncertain Significance.